The following is an entry in ClinVar:

NM_017677.4(MTMR8):c.1065C>T (p.Leu355=)

Gene: MTMR8 (myotubularin related protein 8; minus strand). Cytogenetic location: Xq11.2.
Variant type: single nucleotide variant.
Coding change: c.1065C>T on transcript NM_017677.4 (MANE Select); coding-DNA position 1065, C replaced by T.
Protein change: p.Leu355=; no amino-acid change (leucine 355 retained).
Molecular consequence: synonymous variant.
Genome position (GRCh38, 1-based): chrX:64,337,304, G>A on the plus strand (C>T on the coding strand, the complement: MTMR8 is on the minus strand). VCF-style: chrX-64337304-G-A. GRCh37 (hg19) VCF-style: chrX-63557184-G-A.
Identifiers: ClinVar variation 3057266 (VCV003057266.2), dbSNP rs780410879, ClinGen allele CA10433022.

ClinVar aggregate classification (germline): Likely benign (0 of 4 stars; one submission).

Conditions:
MTMR8-related disorder. Also called: MTMR8-related condition.

Allele frequency attached by ClinVar (database versions not stated): gnomAD 0.00005; gnomAD exomes 0.00010; TOPMed 0.00020; ExAC 0.00044.
gnomAD v4.1: 111 of 1,208,219 alleles (0.0092%); highest among the groups gnomAD compares: Admixed American, 0.23%; no homozygotes.

Submission:

PreventionGenetics, part of Exact Sciences
Classification: Likely benign for MTMR8-related condition. Last evaluated: 2019-02-18. Review status: no assertion criteria provided. Collection method: clinical testing. Allele origin: germline.
Comment: This variant is classified as likely benign based on ACMG/AMP sequence variant interpretation guidelines (Richards et al. 2015 PMID: 25741868, with internal and published modifications).